The following is an entry in ClinVar:

NM_025179.4(PLXNA2):c.2057C>A (p.Thr686Asn)

Gene: PLXNA2 (plexin A2; minus strand). Cytogenetic location: 1q32.2.
Variant type: single nucleotide variant.
Coding change: c.2057C>A on transcript NM_025179.4 (MANE Select); coding-DNA position 2057, C replaced by A.
Protein change: p.Thr686Asn; replaces threonine 686 with asparagine.
Molecular consequence: missense variant.
Genome position (GRCh38, 1-based): chr1:208,092,826, G>T on the plus strand (C>A on the coding strand, the complement: PLXNA2 is on the minus strand). VCF-style: chr1-208092826-G-T. GRCh37 (hg19) VCF-style: chr1-208266171-G-T.
Other names: short protein forms T686N.
Identifiers: ClinVar variation 4977480 (VCV004977480.1).

ClinVar aggregate classification (germline): Uncertain significance (1 of 4 stars; one submission).

Conditions:
PLXNA2-related disorder. Also called: PLXNA2-related condition.

Submission:

PreventionGenetics, part of Exact Sciences
Classification: Uncertain significance for PLXNA2-related condition. Last evaluated: 2025-02-28. Review status: criteria provided, single submitter. Criteria: ACMG Guidelines, 2015. Collection method: clinical testing. Allele origin: germline.
Comment: The PLXNA2 c.2057C>A variant is predicted to result in the amino acid substitution p.Thr686Asn. To our knowledge, this variant has not been reported in the literature or in a large population database (gnomAD), indicating this variant is rare. At this time, the clinical significance of this variant is uncertain due to the absence of conclusive functional and genetic evidence.